The following is an entry in ClinVar:

ClinVar aggregate classification (germline): Uncertain significance (1 of 4 stars; one submission).

Conditions:
SEMA3D-related disorder. Also called: SEMA3D-related condition.

Allele frequency attached by ClinVar (database versions not stated): ExAC 0.00001; gnomAD 0.00001; gnomAD exomes 0.00001; TOPMed 0.00001.
gnomAD v4.1: 8 of 1,596,232 alleles (0.0005%); highest among the groups gnomAD compares: Admixed American, 0.0067%; no homozygotes.

Submission:

PreventionGenetics, part of Exact Sciences
Classification: Uncertain significance for SEMA3D-related condition. Last evaluated: 2025-04-22. Review status: criteria provided, single submitter. Criteria: ACMG Guidelines, 2015. Collection method: clinical testing. Allele origin: germline.
Comment: The SEMA3D c.1526T>C variant is predicted to result in the amino acid substitution p.Met509Thr. To our knowledge, this variant has not been reported in the literature. This variant is reported in 0.012% of alleles in individuals of Latino descent in gnomAD. At this time, the clinical significance of this variant is uncertain due to the absence of conclusive functional and genetic evidence.

NM_001384900.1(SEMA3D):c.1526T>C (p.Met509Thr)

Gene: SEMA3D (semaphorin 3D; minus strand). Cytogenetic location: 7q21.11.
Variant type: single nucleotide variant.
Coding change: c.1526T>C on transcript NM_001384900.1 (MANE Select); coding-DNA position 1526, T replaced by C.
Protein change: p.Met509Thr; replaces methionine 509 with threonine.
Molecular consequence: missense variant.
Genome position (GRCh38, 1-based): chr7:85,018,271, A>G on the plus strand (T>C on the coding strand, the complement: SEMA3D is on the minus strand). VCF-style: chr7-85018271-A-G. GRCh37 (hg19) VCF-style: chr7-84647587-A-G.
Other names: c.1526T>C, p.Met509Thr (NM_001384901.1, NM_001384902.1, NM_001384903.1 and 1 more transcripts); short protein forms M509T.
Identifiers: ClinVar variation 3035226 (VCV003035226.3), dbSNP rs750279416, ClinGen allele CA4323394.
Genomic context (GRCh38, chr7:85,018,271, plus strand): 5'-TTGCTTTTGTGATTAACTTTCATACAAAAGTTAAAAAGTACCTGCTTCAGAGACAATTCC[A>G]TGTTCAAGATGATTGATGAGTGCTGAAAATAGAAGTTAAATGTCAATAAAGATAATCATT-3'
Protein context (NP_001371829.1, residues 499-519): IFKHSSIILN[Met509Thr]ELSLKQQQLY